The following is an entry in ClinVar:

ClinVar aggregate classification (germline): Pathogenic/Likely pathogenic. Review status: criteria provided, multiple submitters, no conflicts (2 of 4 stars). 2 submissions from 2 submitters: Pathogenic (1); Likely pathogenic (1). Last evaluated 2022-01-27.

Conditions:
Hereditary breast ovarian cancer syndrome. Also called: Hereditary breast and ovarian cancer syndrome; Hereditary breast and ovarian cancer; Breast and ovarian cancer; Hereditary breast and/or ovarian cancer syndrome; Hereditary breast and ovarian cancer syndrome (HBOC); BRCA1- and BRCA2-Associated Hereditary Breast and Ovarian Cancer. Identifiers: Orphanet 145, MedGen C0677776, MeSH D061325, MONDO:0003582. Disease mechanism: loss of function.

Submissions (2):

Women's Health and Genetics/Laboratory Corporation of America, LabCorp
Classification: Likely pathogenic for Hereditary breast ovarian cancer syndrome. Last evaluated: 2022-01-27. Review status: criteria provided, single submitter. Criteria: LabCorp Variant Classification Summary - May 2015. Collection method: clinical testing. Allele origin: germline.
Comment: Variant summary: BRCA2 c.8099delT (p.Ile2700AsnfsX33) results in a premature termination codon, predicted to cause a truncation of the encoded protein or absence of the protein due to nonsense mediated decay, which are commonly known mechanisms for disease. Truncations downstream of this position have been classified as pathogenic by our laboratory. The variant was absent in 251356 control chromosomes (gnomAD). To our knowledge, no occurrence of c.8099delT in individuals affected with Hereditary Breast And Ovarian Cancer Syndrome and no experimental evidence demonstrating its impact on protein function have been reported. No clinical diagnostic laboratories have submitted clinical-significance assessments for this variant to ClinVar after 2014. Based on the evidence outlined above, the variant was classified as likely pathogenic.

Labcorp Genetics (formerly Invitae), Labcorp
Classification: Pathogenic for Hereditary breast ovarian cancer syndrome. Last evaluated: 2021-11-20. Review status: criteria provided, single submitter. Criteria: Invitae Variant Classification Sherloc (09022015). Collection method: clinical testing. Allele origin: germline.
Comment: For these reasons, this variant has been classified as Pathogenic. This variant has not been reported in the literature in individuals affected with BRCA2-related conditions. This variant is not present in population databases (gnomAD no frequency). This sequence change creates a premature translational stop signal (p.Ile2700Asnfs*33) in the BRCA2 gene. It is expected to result in an absent or disrupted protein product. Loss-of-function variants in BRCA2 are known to be pathogenic (PMID: 20104584).

Literature cited by the submitters: PubMed 20104584 (cited by Labcorp Genetics (formerly Invitae), Labcorp).

NM_000059.4(BRCA2):c.8099del (p.Ile2700fs)

Gene: BRCA2 (BRCA2 DNA repair associated; plus strand). Cytogenetic location: 13q13.1.
Variant type: Deletion.
Coding change: c.8099del on transcript NM_000059.4 (MANE Select); coding-DNA position 8099, one base deleted (T; older notation c.8099delT).
Protein change: p.Ile2700fs; shifts the reading frame from isoleucine 2700.
Molecular consequence: frameshift variant.
Genome position (GRCh38, 1-based): chr13:32,363,301, T deleted. VCF-style (leftmost placement, unchanged base first): chr13-32363300-AT-A. GRCh37 (hg19) VCF-style: chr13-32937437-AT-A.
Other names: short protein forms I2700fs.
Identifiers: ClinVar variation 1339745 (VCV001339745.7), dbSNP rs2137580749, ClinGen allele CA2573053825.
Genomic context (GRCh38, chr13:32,363,300, plus strand): 5'-GACACAGCTGCAAAAACACTTGTTCTCTGTGTTTCTGACATAATTTCATTGAGCGCAAAT[AT>A]ATCTGAAACTTCTAGCAATAAAACTAGTAGTGCAGATACCCAAAAAGTGGCCATTATTGA-3'